The following is an entry in ClinVar:

NM_002473.6(MYH9):c.158A>C (p.Glu53Ala)

Gene: MYH9 (myosin heavy chain 9; minus strand). Cytogenetic location: 22q12.3.
Variant type: single nucleotide variant.
Coding change: c.158A>C on transcript NM_002473.6 (MANE Select); coding-DNA position 158, A replaced by C.
Protein change: p.Glu53Ala; replaces glutamic acid 53 with alanine.
Molecular consequence: missense variant.
Genome position (GRCh38, 1-based): chr22:36,349,079, T>G on the plus strand (A>C on the coding strand, the complement: MYH9 is on the minus strand). VCF-style: chr22-36349079-T-G. GRCh37 (hg19) VCF-style: chr22-36745124-T-G.
Other names: short protein forms E53A.
Identifiers: ClinVar variation 1308720 (VCV001308720.3), dbSNP rs546497514, ClinGen allele CA10210711.

ClinVar aggregate classification (germline): Uncertain significance. Review status: criteria provided, multiple submitters, no conflicts (2 of 4 stars). 2 submissions from 2 submitters: Uncertain significance (2). Last evaluated 2024-04-04.

Conditions:
Macrothrombocytopenia and granulocyte inclusions with or without nephritis or sensorineural hearing loss (MATINS). Also called: BLEEDING DISORDER, PLATELET-TYPE, 6; DOHLE LEUKOCYTE INCLUSIONS WITH GIANT PLATELETS; MAY-HEGGLIN ANOMALY; SEBASTIAN PLATELET SYNDROME; MACROTHROMBOCYTOPENIA WITH DISPERSED LEUKOCYTIC INCLUSIONS; MACROTHROMBOCYTOPENIA, NEPHRITIS, AND DEAFNESS. Identifiers: Orphanet 182050, MedGen C5200934, MONDO:0015912, OMIM 155100.
Autosomal dominant nonsyndromic hearing loss 17. Also called: Deafness, autosomal dominant 17; Autosomal dominant nonsyndromic deafness 17. Identifiers: Orphanet 90635, MedGen C1863659, MONDO:0011350, OMIM 603622.

Allele frequency attached by ClinVar (database versions not stated): gnomAD exomes below 0.00001; TOPMed below 0.00001; ExAC 0.00001; gnomAD 0.00001; 1000 Genomes Project 30x 0.00016; 1000 Genomes Project 0.00020.
gnomAD v4.1: 3 of 1,614,244 alleles (0.00019%); highest among the groups gnomAD compares: African/African-American, 0.004%; no homozygotes.

Submissions (2):

Fulgent Genetics
Classification: Uncertain significance for Macrothrombocytopenia and granulocyte inclusions with or without nephritis or sensorineural hearing loss; Autosomal dominant nonsyndromic hearing loss 17. Last evaluated: 2024-04-04. Review status: criteria provided, single submitter. Criteria: ACMG Guidelines, 2015. Collection method: clinical testing. Allele origin: germline.

GeneDx
Classification: Uncertain significance. Last evaluated: 2019-10-02. Review status: criteria provided, single submitter. Criteria: GeneDx Variant Classification Process June 2021. Collection method: clinical testing. Allele origin: germline. Affected: yes.
Comment: Not observed at a significant frequency in large population cohorts (Lek et al., 2016); In silico analysis, which includes protein predictors and evolutionary conservation, supports a deleterious effect; Has not been previously published as pathogenic or benign to our knowledge